The following continues an entry in ClinVar:

NM_000059.4(BRCA2):c.7759C>T (p.Leu2587Phe)

Gene: BRCA2. ClinVar aggregate classification (germline): Benign. Benign (1).

Submissions 13 to 20 of 20:

ARUP Laboratories, Molecular Genetics and Genomics, ARUP Laboratories
Classification: Uncertain significance. Last evaluated: 2019-05-21. Review status: criteria provided, single submitter. Criteria: ARUP Molecular Germline Variant Investigation Process. Collection method: clinical testing. Allele origin: germline. Not counted in ClinVar's aggregate classification.
Comment: The BRCA2 c.7759C>T; p.Leu2587Phe variant (rs56335340), also known as 7987C>T, is reported in the literature in individuals affected with breast and/or ovarian cancer (Infante 2006, Velasco 2005, Zuntini 2018) and colorectal cancer (Esteban-Jurado 2016, Garre 2015). This variant is reported as uncertain by multiple laboratories in ClinVar (Variation ID: 141335), and is found in the general population with an overall allele frequency of 0.0044% (11/251436 alleles) in the Genome Aggregation Database. The leucine at codon 2587 is highly conserved, and computational analyses (SIFT, PolyPhen-2) predict that this variant is deleterious. However, due to limited information, the clinical significance of the p.Leu2587Phe variant is uncertain at this time. References: Esteban-Jurado C et al. The Fanconi anemia DNA damage repair pathway in the spotlight for germline predisposition to colorectal cancer. Eur J Hum Genet. 2016 Oct;24(10):1501-5. Garre P et al. BRCA2 gene: a candidate for clinical testing in familial colorectal cancer type X. Clin Genet. 2015 Jun;87(6):582-7. Infante M et al. High proportion of novel mutations of BRCA1 and BRCA2 in breast/ovarian cancer patients from Castilla-Leon (central Spain). J Hum Genet. 2006;51(7):611-7. Velasco E et al. Rapid mutation detection in complex genes by heteroduplex analysis with capillary array electrophoresis. Electrophoresis. 2005 Jun;26(13):2539-52. Zuntini R et al. Dealing With BRCA1/2 Unclassified Variants in a Cancer Genetics Clinic: Does Cosegregation Analysis Help? Front Genet. 2018 Sep 11;9:378.

GeneDx
Classification: Uncertain significance. Last evaluated: 2018-12-31. Review status: criteria provided, single submitter. Criteria: GeneDx Variant Classification (06012015). Collection method: clinical testing. Allele origin: germline. Affected: yes. Not counted in ClinVar's aggregate classification.
Comment: This variant is denoted BRCA2 c.7759C>T at the cDNA level, p.Leu2587Phe (L2587F) at the protein level, and results in the change of a Leucine to a Phenylalanine (CTC>TTC). Using alternate nomenclature, this variant would be defined as BRCA2 7987C>T. This variant was observed in several individuals with a personal and family history of colorectal cancer as well as two individuals with a personal and/or family history of breast and/or ovarian cancer (Infante 2006, Garre 2015, Esteban-Jurado 2016, Zutini 2018). BRCA2 Leu2587Phe was not observed at a significant allele frequency in large population cohorts (Lek 2016). This variant is located in the DNA binding domain (Yang 2002). In silico analysis, which includes protein predictors and evolutionary conservation, supports that this variant does not alter protein structure/function. Based on currently available evidence, it is unclear whether BRCA2 Leu2587Phe is a pathogenic or benign variant. We consider it to be a variant of uncertain significance.

Department of Pathology and Laboratory Medicine, Sinai Health System
Classification: Uncertain significance. Last evaluated: 2016-07-28. Review status: criteria provided, single submitter. Criteria: ACMG Guidelines, 2015. Collection method: clinical testing. Allele origin: germline. Affected: yes. Study: The Canadian Open Genetics Repository (COGR). Not counted in ClinVar's aggregate classification.

Genetic Predisposition to Colorectal Cancer Group, Institut d’Investigacions Biomediques August Pi i Sunyer
Classification: Likely pathogenic for Colorectal cancer. Last evaluated: 2015-11-01. Review status: criteria provided, single submitter. Criteria: Submitter's publication. Collection method: clinical testing. Allele origin: germline. Affected: yes. Observed: 2 variant alleles. Study: FAMCOLON. Not counted in ClinVar's aggregate classification.
Comment: Variant detected by whole exome sequencing in a family presenting aggregation mainly for colorectal cancer but also for gastric cancer

Segregation in the family affected members; frequency in the control datasets <0.01% (ExAC, EVS, CIBERER Spanish Variant Server); in silico pathogenicity predictions (CADD, PolyPhen, SIFT, PhyloP, LRT); LOH in the tumor; variant falls in the domain that interacts with DSS

Department of Medical and Surgical Sciences, University of Bologna
Classification: Benign for Breast-ovarian cancer, familial, susceptibility to, 2. Last evaluated: 2023-09-01. Review status: no assertion criteria provided. Collection method: clinical testing. Allele origin: germline. Affected: yes. Not counted in ClinVar's aggregate classification.
Comment: BS1(Supporting)+BS3(Strong)+BP5(Very Strong) according to ACMG/AMP classification guidelines specified for BRCA1 & BRCA2 (Classification Criteria V1.0.0 2023-09-08) (PMID: 38160042)

BRCAlab, Lund University
Classification: Uncertain significance for Breast-ovarian cancer, familial, susceptibility to, 2. Last evaluated: 2020-03-02. Review status: no assertion criteria provided. Collection method: clinical testing. Allele origin: germline. Affected: yes. Not counted in ClinVar's aggregate classification.

True Health Diagnostics
Classification: Uncertain significance for Hereditary cancer-predisposing syndrome. Last evaluated: 2018-04-06. Review status: no assertion criteria provided. Collection method: clinical testing. Allele origin: germline. Not counted in ClinVar's aggregate classification.

Counsyl
Classification: Uncertain significance for Breast-ovarian cancer, familial, susceptibility to, 2. Last evaluated: 2015-12-01. Review status: no assertion criteria provided. Collection method: clinical testing. Allele origin: unknown. Not counted in ClinVar's aggregate classification.

Literature cited by the submitters: PubMed 15937982 (cited by 4 submitters); PubMed 16758124 (cited by 4 submitters); PubMed 20167696 (cited by 3 submitters); PubMed 24814045 (cited by 6 submitters); PubMed 27165003 (cited by 5 submitters); PubMed 29884841 (cited by Women's Health and Genetics/Laboratory Corporation of America, LabCorp and Quest Diagnostics Nichols Institute San Juan Capistrano); PubMed 29849630 (cited by Women's Health and Genetics/Laboratory Corporation of America, LabCorp); PubMed 29881398 (cited by Women's Health and Genetics/Laboratory Corporation of America, LabCorp); PubMed 30374176 (cited by Women's Health and Genetics/Laboratory Corporation of America, LabCorp and Quest Diagnostics Nichols Institute San Juan Capistrano); PubMed 29394989 (cited by 5 submitters); PubMed 30055349 (cited by Women's Health and Genetics/Laboratory Corporation of America, LabCorp); PubMed 33609447 (cited by 3 submitters); PubMed 35736817 (cited by Women's Health and Genetics/Laboratory Corporation of America, LabCorp and Quest Diagnostics Nichols Institute San Juan Capistrano); PubMed 32853339 (cited by Center for Genomic Medicine, Rigshospitalet, Copenhagen University Hospital); PubMed 30254663 (cited by Center for Genomic Medicine, Rigshospitalet, Copenhagen University Hospital and Quest Diagnostics Nichols Institute San Juan Capistrano); PubMed 34597585 (cited by Center for Genomic Medicine, Rigshospitalet, Copenhagen University Hospital and Quest Diagnostics Nichols Institute San Juan Capistrano); PubMed 33471991 (cited by Quest Diagnostics Nichols Institute San Juan Capistrano and Sema4); PubMed 28223274 (cited by 3 submitters); DOI 10.3389/fgene.2022.834265 (cited by National Health Laboratory Service, Universitas Academic Hospital and University of the Free State); PubMed 25348012 (cited by Counsyl).